The following is an entry in ClinVar:

NM_012463.4(ATP6V0A2):c.1590C>T (p.Pro530=)

Gene: ATP6V0A2 (ATPase H+ transporting V0 subunit a2; plus strand). Cytogenetic location: 12q24.31.
Variant type: single nucleotide variant.
Coding change: c.1590C>T on transcript NM_012463.4 (MANE Select); coding-DNA position 1590, C replaced by T.
Protein change: p.Pro530=; no amino-acid change (proline 530 retained).
Molecular consequence: synonymous variant.
Genome position (GRCh38, 1-based): chr12:123,744,957, C>T. VCF-style: chr12-123744957-C-T. GRCh37 (hg19) VCF-style: chr12-124229504-C-T.
Identifiers: ClinVar variation 307588 (VCV000307588.19), dbSNP rs80355657, ClinGen allele CA6861973.

ClinVar aggregate classification (germline): Benign. Review status: criteria provided, multiple submitters, no conflicts (2 of 4 stars). 5 submissions from 5 submitters: Benign (4). 1 of the submissions does not count toward it. Last evaluated 2026-02-03.

Conditions:
ATP6V0A2-related disorder. Also called: ATP6V0A2-related condition.
Cutis laxa with osteodystrophy (ARCL2A). Also called: Debré-Type Cutis Laxa; CUTIS LAXA WITH CONGENITAL DISORDER OF GLYCOSYLATION; CUTIS LAXA, AUTOSOMAL RECESSIVE, TYPE IIA; CUTIS LAXA WITH BONE DYSTROPHY; CUTIS LAXA WITH GROWTH AND DEVELOPMENTAL DELAY; CUTIS LAXA WITH JOINT LAXITY AND RETARDED DEVELOPMENT. Identifiers: Orphanet 357058, MedGen C0268355, MONDO:0018163, OMIM 219200. Disease mechanism: loss of function.
ALG9 congenital disorder of glycosylation (CDG1L). Also called: CDG Il; CONGENITAL DISORDER OF GLYCOSYLATION, TYPE Il; ALG9-CDG. Identifiers: Orphanet 79328, MedGen C2931006, MONDO:0012117, OMIM 608776.

Allele frequency attached by ClinVar (database versions not stated): gnomAD exomes 0.00074 and 0.00177; gnomAD 0.00078 and 0.00098; TOPMed 0.00120; ExAC 0.00180; 1000 Genomes Project 30x 0.00312; 1000 Genomes Project 0.00339.
gnomAD v4.1: 1,250 of 1,614,242 alleles (0.077%); highest among the groups gnomAD compares: East Asian, 2%; 12 homozygotes.

Submissions (5):

Labcorp Genetics (formerly Invitae), Labcorp
Classification: Benign for ALG9 congenital disorder of glycosylation. Last evaluated: 2026-02-03. Review status: criteria provided, single submitter. Criteria: Invitae Variant Classification Sherloc (09022015). Collection method: clinical testing. Allele origin: germline.

GeneDx
Classification: Benign. Last evaluated: 2019-06-26. Review status: criteria provided, single submitter. Criteria: GeneDx Variant Classification Process June 2021. Collection method: clinical testing. Allele origin: germline. Affected: yes.

Illumina Laboratory Services, Illumina
Classification: Benign for Cutis laxa with osteodystrophy. Last evaluated: 2018-01-13. Review status: criteria provided, single submitter. Criteria: ICSL Variant Classification Criteria 13 December 2019. Collection method: clinical testing. Allele origin: germline.
Comment: This variant was observed in the ICSL laboratory as part of a predisposition screen in an ostensibly healthy population. It had not been previously curated by ICSL or reported in the Human Gene Mutation Database (HGMD: prior to June 1st, 2018), and was therefore a candidate for classification through an automated scoring system. Utilizing variant allele frequency, disease prevalence and penetrance estimates, and inheritance mode, an automated score was calculated to assess if this variant is too frequent to cause the disease. Based on the score and internal cut-off values, a variant classified as benign is not then subjected to further curation. The score for this variant resulted in a classification of benign for this disease.

Athena Diagnostics
Classification: Benign. Last evaluated: 2016-08-24. Review status: criteria provided, single submitter. Criteria: Athena Diagnostics Criteria. Collection method: clinical testing. Allele origin: germline.

PreventionGenetics, part of Exact Sciences
Classification: Benign for ATP6V0A2-related condition. Last evaluated: 2024-07-22. Review status: no assertion criteria provided. Collection method: clinical testing. Allele origin: germline. Not counted in ClinVar's aggregate classification.
Comment: This variant is classified as benign based on ACMG/AMP sequence variant interpretation guidelines (Richards et al. 2015 PMID: 25741868, with internal and published modifications).